The following is an entry in ClinVar:

ClinVar aggregate classification (germline): Benign (0 of 4 stars; one submission).

Conditions:
PMFBP1-related disorder. Also called: PMFBP1-related condition.

Allele frequency attached by ClinVar (database versions not stated): 1000 Genomes Project 0.00319; 1000 Genomes Project 30x 0.00375; gnomAD 0.00710; TOPMed 0.00821; ESP Exome Variant Server 0.00839.
gnomAD v4.1: 16,615 of 1,614,096 alleles (1%); highest among the groups gnomAD compares: Middle Eastern, 1.3%; 132 homozygotes.

Submission:

PreventionGenetics, part of Exact Sciences
Classification: Benign for PMFBP1-related condition. Last evaluated: 2019-11-19. Review status: no assertion criteria provided. Collection method: clinical testing. Allele origin: germline.
Comment: This variant is classified as benign based on ACMG/AMP sequence variant interpretation guidelines (Richards et al. 2015 PMID: 25741868, with internal and published modifications).

NM_031293.3(PMFBP1):c.2769-22G>A

Gene: PMFBP1 (polyamine modulated factor 1 binding protein 1; minus strand). Cytogenetic location: 16q22.2.
Variant type: single nucleotide variant.
Coding change: c.2769-22G>A on transcript NM_031293.3 (MANE Select); 22 bases into the intron before coding-DNA position 2769, G replaced by A.
Molecular consequence: intron variant. On other transcripts: missense variant (1).
Genome position (GRCh38, 1-based): chr16:72,120,111, C>T on the plus strand (G>A on the coding strand, the complement: PMFBP1 is on the minus strand). VCF-style: chr16-72120111-C-T. GRCh37 (hg19) VCF-style: chr16-72154010-C-T.
Other names: c.2372G>A, p.Arg791His (NM_001160213.2); short protein forms R791H.
Identifiers: ClinVar variation 3055584 (VCV003055584.2), dbSNP rs72787072, ClinGen allele CA8161219.